The following is an entry in ClinVar:

NM_001375567.1(FOCAD):c.4729-21_4729-5dup

Gene: FOCAD (focadhesin; plus strand). Cytogenetic location: 9p21.3.
Variant type: Duplication.
Coding change: c.4729-21_4729-5dup on transcript NM_001375567.1 (MANE Select); 21 bases into the intron before coding-DNA position 4729 through 5 bases into the intron before coding-DNA position 4729, 17 bases duplicated (TTTTTTTTTTTTTTTTT).
Molecular consequence: intron variant.
Genome position (GRCh38, 1-based): chr9:20,986,267-20,986,283, TTTTTTTTTTTTTTTTT duplicated. VCF-style (leftmost placement, unchanged base first): chr9-20986266-A-ATTTTTTTTTTTTTTTTT. GRCh37 (hg19) VCF-style: chr9-20986265-A-ATTTTTTTTTTTTTTTTT.
Other names: c.4729-21_4729-5dup (NM_017794.5); c.4624-21_4624-5dup (NM_001375568.1, NM_001375570.1).
Identifiers: ClinVar variation 3352581 (VCV003352581.8).
Genomic context (GRCh38, chr9:20,986,266, plus strand): 5'-TGTTTTGCCCTTGCCCTGAAATTCTGTAGCTACTTCAGTTAATTTAATAGTAACTAAACA[A>ATTTTTTTTTTTTTTTTT]TTTTTTTTTTTTTTTTTGCAGAGCAACATAGAAAAAGCTGCCTTTGTCAAACTGTACTTA-3'

ClinVar aggregate classification (germline): Likely benign. Review status: criteria provided, single submitter (1 of 4 stars). 2 submissions from 2 submitters: Likely benign (1). 1 of the submissions does not count toward it. Last evaluated 2026-08-01.

Conditions:
FOCAD-related disorder. Also called: FOCAD-related condition.

Submissions (2):

CeGaT Center for Human Genetics Tuebingen
Classification: Likely benign. Last evaluated: 2026-08-01. Review status: criteria provided, single submitter. Criteria: CeGaT Center For Human Genetics Tuebingen Variant Classification Criteria Version 2. Collection method: clinical testing. Allele origin: germline. Affected: yes. Observed: 8 variant alleles.
Comment: FOCAD: BP4, BS1

PreventionGenetics, part of Exact Sciences
Classification: Likely benign for FOCAD-related condition. Last evaluated: 2024-07-31. Review status: no assertion criteria provided. Collection method: clinical testing. Allele origin: germline. Not counted in ClinVar's aggregate classification.
Comment: This variant is classified as likely benign based on ACMG/AMP sequence variant interpretation guidelines (Richards et al. 2015 PMID: 25741868, with internal and published modifications).